The following is an entry in ClinVar:

NM_004698.4(PRPF3):c.860C>T (p.Ala287Val)

Gene: PRPF3 (pre-mRNA processing factor 3; plus strand). Cytogenetic location: 1q21.2.
Variant type: single nucleotide variant.
Coding change: c.860C>T on transcript NM_004698.4 (MANE Select); coding-DNA position 860, C replaced by T.
Protein change: p.Ala287Val; replaces alanine 287 with valine.
Molecular consequence: missense variant. On other transcripts: non-coding transcript variant (4).
Genome position (GRCh38, 1-based): chr1:150,335,066, C>T. VCF-style: chr1-150335066-C-T. GRCh37 (hg19) VCF-style: chr1-150307537-C-T.
Other names: c.455C>T, p.Ala152Val (NM_001350529.1); short protein forms A287V, A152V.
Identifiers: ClinVar variation 3664442 (VCV003664442.2).

ClinVar aggregate classification (germline): Uncertain significance (1 of 4 stars; one submission).

Submission:

Labcorp Genetics (formerly Invitae), Labcorp
Classification: Uncertain significance. Last evaluated: 2025-03-25. Review status: criteria provided, single submitter. Criteria: Invitae Variant Classification Sherloc (09022015). Collection method: clinical testing. Allele origin: germline.
Comment: This sequence change replaces alanine, which is neutral and non-polar, with valine, which is neutral and non-polar, at codon 287 of the PRPF3 protein (p.Ala287Val). This variant is not present in population databases (gnomAD no frequency). This variant has not been reported in the literature in individuals affected with PRPF3-related conditions. Invitae Evidence Modeling of protein sequence and biophysical properties (such as structural, functional, and spatial information, amino acid conservation, physicochemical variation, residue mobility, and thermodynamic stability) has been performed for this missense variant. However, the output from this modeling did not meet the statistical confidence thresholds required to predict the impact of this variant on PRPF3 protein function. In summary, the available evidence is currently insufficient to determine the role of this variant in disease. Therefore, it has been classified as a Variant of Uncertain Significance.